The following is an entry in ClinVar:

ClinVar aggregate classification (germline): Uncertain significance (1 of 4 stars; one submission).

Submission:

Labcorp Genetics (formerly Invitae), Labcorp
Classification: Uncertain significance. Last evaluated: 2022-04-02. Review status: criteria provided, single submitter. Criteria: Invitae Variant Classification Sherloc (09022015). Collection method: clinical testing. Allele origin: germline.
Comment: Advanced modeling of protein sequence and biophysical properties (such as structural, functional, and spatial information, amino acid conservation, physicochemical variation, residue mobility, and thermodynamic stability) performed at Invitae indicates that this missense variant is expected to disrupt ACO2 protein function. This variant has not been reported in the literature in individuals affected with ACO2-related conditions. This variant is not present in population databases (gnomAD no frequency). This sequence change replaces isoleucine, which is neutral and non-polar, with phenylalanine, which is neutral and non-polar, at codon 655 of the ACO2 protein (p.Ile655Phe). In summary, the available evidence is currently insufficient to determine the role of this variant in disease. Therefore, it has been classified as a Variant of Uncertain Significance.

NM_001098.3(ACO2):c.1963A>T (p.Ile655Phe)

Genes: ACO2 (aconitase 2; plus strand), POLR3H (RNA polymerase III subunit H; minus strand). Cytogenetic location: 22q13.2.
Variant type: single nucleotide variant.
Coding change: c.1963A>T on transcript NM_001098.3 (MANE Select); coding-DNA position 1963, A replaced by T.
Protein change: p.Ile655Phe; replaces isoleucine 655 with phenylalanine.
Molecular consequence: missense variant. On other transcripts: 3 prime UTR variant (5).
Genome position (GRCh38, 1-based): chr22:41,527,297, A>T. VCF-style: chr22-41527297-A-T. GRCh37 (hg19) VCF-style: chr22-41923301-A-T.
Other names: c.*1986T>A (NM_001018050.4, NM_001018052.4, NM_001282884.2 and 2 more transcripts); short protein forms I655F.
Identifiers: ClinVar variation 2180441 (VCV002180441.4), dbSNP rs3180384, ClinGen allele CA324583305.